The following is an entry in ClinVar:

NM_199242.3(UNC13D):c.578A>G (p.Glu193Gly)

Gene: UNC13D (unc-13 homolog D; minus strand). Cytogenetic location: 17q25.1.
Variant type: single nucleotide variant.
Coding change: c.578A>G on transcript NM_199242.3 (MANE Select); coding-DNA position 578, A replaced by G.
Protein change: p.Glu193Gly; replaces glutamic acid 193 with glycine.
Molecular consequence: missense variant.
Genome position (GRCh38, 1-based): chr17:75,840,993, T>C on the plus strand (A>G on the coding strand, the complement: UNC13D is on the minus strand). VCF-style: chr17-75840993-T-C. GRCh37 (hg19) VCF-style: chr17-73837074-T-C.
Other names: short protein forms E193G.
Identifiers: ClinVar variation 972603 (VCV000972603.13), dbSNP rs532317198, ClinGen allele CA294089625.
Genomic context (GRCh38, chr17:75,840,993, plus strand): 5'-CTAGGGGCAGGCCAGGTCACTCACCACATGTCCAGATGAAAGCTCGCATTGGTGATGTCC[T>C]CAAACTCCCTGTATGGAGAAAAGGGCGTGGTTGAGGGCCCTGGAGGGTGGATGCCCCCAG-3'
Protein context (NP_954712.1, residues 183-203): VWDETFILEF[Glu193Gly]DITNASFHLD

ClinVar aggregate classification (germline): Uncertain significance. Review status: criteria provided, multiple submitters, no conflicts (2 of 4 stars). 4 submissions from 4 submitters: Uncertain significance (4). Last evaluated 2025-08-19.

Conditions:
Familial hemophagocytic lymphohistiocytosis 3 (FHL3). Also called: UNC13D-Related Familial Hemophagocytic Lymphohistiocytosis (UNC13D-fHLH). Identifiers: Orphanet 540, MedGen C1837174, MONDO:0012146, OMIM 608898.
Inborn genetic diseases. Identifiers: MedGen C0950123, MeSH D030342.

Allele frequency attached by ClinVar (database versions not stated): gnomAD exomes 0.00001 and below 0.00001; 1000 Genomes Project 30x 0.00016; gnomAD 0.00001; TOPMed 0.00002; 1000 Genomes Project 0.00020.

Submissions (4):

Dasa
Classification: Uncertain significance. Last evaluated: 2025-08-19. Review status: criteria provided, single submitter. Criteria: DASA Assertion Criteria. Collection method: clinical testing. Allele origin: germline.
Comment: NM_199242.3(UNC13D):c.578A>G (p.Glu193Gly) is a missense variant that results in the substitution of glutamic acid with glycine. This variant is rare in population databases. Computational prediction algorithms are consistent with a benign effect. The currently available literature and clinical evidence are not sufficient to establish a definitive association between this variant and the reported condition. Therefore, this variant is classified as a variant of uncertain significance.

Ambry Genetics
Classification: Uncertain significance for Inborn genetic diseases. Last evaluated: 2023-04-07. Review status: criteria provided, single submitter. Criteria: Ambry Variant Classification Scheme 2023. Collection method: clinical testing. Allele origin: germline.

Labcorp Genetics (formerly Invitae), Labcorp
Classification: Uncertain significance for Familial hemophagocytic lymphohistiocytosis 3. Last evaluated: 2022-07-11. Review status: criteria provided, single submitter. Criteria: Invitae Variant Classification Sherloc (09022015). Collection method: clinical testing. Allele origin: germline.
Comment: This sequence change replaces glutamic acid, which is acidic and polar, with glycine, which is neutral and non-polar, at codon 193 of the UNC13D protein (p.Glu193Gly). This variant is not present in population databases (gnomAD no frequency). This variant has not been reported in the literature in individuals affected with UNC13D-related conditions. ClinVar contains an entry for this variant (Variation ID: 972603). Algorithms developed to predict the effect of missense changes on protein structure and function are either unavailable or do not agree on the potential impact of this missense change (SIFT: "Not Available"; PolyPhen-2: "Benign"; Align-GVGD: "Not Available"). In summary, the available evidence is currently insufficient to determine the role of this variant in disease. Therefore, it has been classified as a Variant of Uncertain Significance.

Laboratorio de Genetica e Diagnostico Molecular, Hospital Israelita Albert Einstein
Classification: Uncertain significance. Last evaluated: 2019-11-26. Review status: criteria provided, single submitter. Criteria: ACMG Guidelines, 2015. Collection method: clinical testing. Allele origin: germline. Affected: yes.
Comment: ACMG classification criteria: PM2, BP4